The following is an entry in ClinVar:

NM_001377.3(DYNC2H1):c.216A>C (p.Lys72Asn)

Gene: DYNC2H1 (dynein cytoplasmic 2 heavy chain 1; plus strand). Cytogenetic location: 11q22.3.
Variant type: single nucleotide variant.
Coding change: c.216A>C on transcript NM_001377.3 (MANE Select); coding-DNA position 216, A replaced by C.
Protein change: p.Lys72Asn; replaces lysine 72 with asparagine.
Molecular consequence: missense variant.
Genome position (GRCh38, 1-based): chr11:103,113,557, A>C. VCF-style: chr11-103113557-A-C. GRCh37 (hg19) VCF-style: chr11-102984286-A-C.
Other names: c.216A>C, p.Lys72Asn (NM_001080463.2); short protein forms K72N.
Identifiers: ClinVar variation 2002527 (VCV002002527.4), dbSNP rs2496766497, ClinGen allele CA382242650.
Genomic context (GRCh38, chr11:103,113,557, plus strand): 5'-ATTTTATGAAGATAACATTAAAAATCATTTATCACTTTAGATTGAGTTTGGTGACACAAA[A>C]GATAAAGTGCTGGTGTTTTTCAAGCTGCGACCTGAAGTAATTACTGATGAGAATCTACAT-3'
Protein context (NP_001368.2, residues 62-82): FSNTIEFGDT[Lys72Asn]DKVLVFFKLR

ClinVar aggregate classification (germline): Uncertain significance (1 of 4 stars; one submission).

Conditions:
Jeune thoracic dystrophy. Also called: Short-rib thoracic dysplasia; Jeune syndrome; Infantile thoracic dystrophy; Thoracic pelvic phalangeal dystrophy; Jeune's syndrome; Chondroectodermal dysplasia-like syndrome. Identifiers: Orphanet 474, MedGen C0265275, MONDO:0018770.

Submission:

Labcorp Genetics (formerly Invitae), Labcorp
Classification: Uncertain significance for Jeune thoracic dystrophy. Last evaluated: 2024-04-29. Review status: criteria provided, single submitter. Criteria: Invitae Variant Classification Sherloc (09022015). Collection method: clinical testing. Allele origin: germline.
Comment: This sequence change replaces lysine, which is basic and polar, with asparagine, which is neutral and polar, at codon 72 of the DYNC2H1 protein (p.Lys72Asn). This variant is not present in population databases (gnomAD no frequency). This variant has not been reported in the literature in individuals affected with DYNC2H1-related conditions. ClinVar contains an entry for this variant (Variation ID: 2002527). Advanced modeling of protein sequence and biophysical properties (such as structural, functional, and spatial information, amino acid conservation, physicochemical variation, residue mobility, and thermodynamic stability) performed at Invitae indicates that this missense variant is not expected to disrupt DYNC2H1 protein function with a negative predictive value of 95%. In summary, the available evidence is currently insufficient to determine the role of this variant in disease. Therefore, it has been classified as a Variant of Uncertain Significance.